The following is an entry in ClinVar:

ClinVar aggregate classification (germline): Uncertain significance (1 of 4 stars; one submission).

Allele frequency attached by ClinVar (database versions not stated): gnomAD exomes below 0.00001.

Submission:

Labcorp Genetics (formerly Invitae), Labcorp
Classification: Uncertain significance. Last evaluated: 2023-06-15. Review status: criteria provided, single submitter. Criteria: Invitae Variant Classification Sherloc (09022015). Collection method: clinical testing. Allele origin: germline.
Comment: In summary, the available evidence is currently insufficient to determine the role of this variant in disease. Therefore, it has been classified as a Variant of Uncertain Significance. This variant has not been reported in the literature in individuals affected with SIX5-related conditions. This variant is not present in population databases (gnomAD no frequency). This variant, c.1047_1048insTGG, results in the insertion of 1 amino acid(s) of the SIX5 protein (p.Ala349_Leu350insTrp), but otherwise preserves the integrity of the reading frame.

NM_175875.5(SIX5):c.1047_1048insTGG (p.Ala349_Leu350insTrp)

Genes: SIX5 (SIX homeobox 5; minus strand), LOC107075317 (origin of replication in DMPK trinucleotide repeat region; plus strand). Cytogenetic location: 19q13.32.
Variant type: Insertion.
Coding change: c.1047_1048insTGG on transcript NM_175875.5 (MANE Select); coding-DNA positions 1047 to 1048, TGG inserted.
Protein change: p.Ala349_Leu350insTrp.
Molecular consequence: inframe insertion.
Genome position: GRCh38 VCF-style: chr19-45766911-G-GCCA. GRCh37 (hg19) VCF-style: chr19-46270169-G-GCCA.
Identifiers: ClinVar variation 2890563 (VCV002890563.3), dbSNP rs2513601309, ClinGen allele CA2585856591.
Genomic context (GRCh38, chr19:45,766,911, plus strand): 5'-GTGGAGGGGCACCCCCGCCCCCAGTGAGCAGCAGCGGGCCCAGGCTGGAGGCCTCGCCCA[G>GCCA]GGCCAGGCCGTTGATGATGACGGGGCCCCCGTTGAGGAGCACTGCTGGGGAGCCGCTGGC-3'